The following is an entry in ClinVar:

ClinVar aggregate classification (germline): Pathogenic (1 of 4 stars; one submission).

Conditions:
Hereditary breast ovarian cancer syndrome. Also called: Hereditary breast and/or ovarian cancer syndrome; Hereditary breast and ovarian cancer syndrome; Breast and ovarian cancer; Hereditary breast and ovarian cancer syndrome (HBOC); BRCA1- and BRCA2-Associated Hereditary Breast and Ovarian Cancer; Hereditary breast and ovarian cancer. Identifiers: Orphanet 145, MedGen C0677776, MeSH D061325, MONDO:0003582. Disease mechanism: loss of function.

Submission:

Labcorp Genetics (formerly Invitae), Labcorp
Classification: Pathogenic for Hereditary breast ovarian cancer syndrome. Last evaluated: 2025-09-27. Review status: criteria provided, single submitter. Criteria: Invitae Variant Classification Sherloc (09022015). Collection method: clinical testing. Allele origin: germline.
Comment: This sequence change creates a premature translational stop signal (p.Pro1099Glufs*9) in the BRCA1 gene. It is expected to result in an absent or disrupted protein product. Loss-of-function variants in BRCA1 are known to be pathogenic (PMID: 20104584). This variant is not present in population databases (gnomAD no frequency). This variant has not been reported in the literature in individuals affected with BRCA1-related conditions. For these reasons, this variant has been classified as Pathogenic.

Literature cited by the submitters: PubMed 20104584.

NM_007294.4(BRCA1):c.3291_3294del (p.Pro1099fs)

Genes: BRCA1 (BRCA1 DNA repair associated; minus strand), LOC126862571 (BRD4-independent group 4 enhancer GRCh37_chr17:41243136-41244335; plus strand). Cytogenetic location: 17q21.31.
Variant type: Deletion.
Coding change: c.3291_3294del on transcript NM_007294.4 (MANE Select); coding-DNA positions 3291 to 3294, 4 bases deleted (TCTT; older notation c.3291_3294delTCTT).
Protein change: p.Pro1099fs; shifts the reading frame from proline 1099.
Molecular consequence: frameshift variant. On other transcripts: intron variant (137).
Genome position (GRCh38, 1-based): chr17:43,092,237-43,092,240, AAGA deleted on the plus strand (TCTT on the coding strand, the reverse complement: BRCA1 is on the minus strand). VCF-style (leftmost placement, unchanged base first): chr17-43092236-GAAGA-G. GRCh37 (hg19) VCF-style: chr17-41244253-GAAGA-G.
Other names: c.3165_3168del, p.Pro1057fs (NM_001407940.1, NM_001407941.1, NM_001407649.1 and 11 more transcripts); c.3291_3294del, p.Pro1099fs (NM_001407641.1, NM_001407642.1, NM_001407652.1 and 30 more transcripts); c.3150_3153del, p.Pro1052fs (NM_001407942.1, NM_001407944.1, NM_001407945.1 and 29 more transcripts); c.3288_3291del, p.Pro1098fs (NM_001407644.1, NM_001407645.1, NM_001407587.1 and 22 more transcripts); c.3147_3150del, p.Pro1051fs (NM_001407943.1, NM_001407964.1, NM_001407740.1 and 20 more transcripts); c.3282_3285del, p.Pro1096fs (NM_001407646.1, NM_001407647.1); c.3168_3171del, p.Pro1058fs (NM_001407648.1, NM_001407919.1, NM_001407937.1 and 19 more transcripts); c.2958_2961del, p.Pro988fs (NM_001407948.1, NM_001407949.1, NM_001407950.1 and 6 more transcripts); and 41 more; short protein forms P1051fs, P1052fs, P1058fs, P1073fs, P1099fs, P972fs, P1010fs, P1031fs.
Identifiers: ClinVar variation 4727902 (VCV004727902.1).